The following is an entry in ClinVar:

NM_014112.5(TRPS1):c.3515A>G (p.Asp1172Gly)

Gene: TRPS1 (transcriptional repressor GATA binding 1; minus strand). Cytogenetic location: 8q23.3.
Variant type: single nucleotide variant.
Coding change: c.3515A>G on transcript NM_014112.5 (MANE Select); coding-DNA position 3515, A replaced by G.
Protein change: p.Asp1172Gly; replaces aspartic acid 1172 with glycine.
Molecular consequence: missense variant.
Genome position (GRCh38, 1-based): chr8:115,414,393, T>C on the plus strand (A>G on the coding strand, the complement: TRPS1 is on the minus strand). VCF-style: chr8-115414393-T-C. GRCh37 (hg19) VCF-style: chr8-116426621-T-C.
Other names: c.3488A>G, p.Asp1163Gly (NM_001282902.3); c.3494A>G, p.Asp1165Gly (NM_001282903.3); c.3476A>G, p.Asp1159Gly (NM_001330599.2); short protein forms D1159G, D1163G, D1165G, D1172G.
Identifiers: ClinVar variation 932127 (VCV000932127.5), dbSNP rs986339998, ClinGen allele CA184469452.

ClinVar aggregate classification (germline): Uncertain significance. Review status: criteria provided, multiple submitters, no conflicts (2 of 4 stars). 3 submissions from 3 submitters: Uncertain significance (3). Last evaluated 2024-01-23.

Conditions:
Trichorhinophalangeal dysplasia type I (TRPS1). Also called: TRPS I; TRICHORHINOPHALANGEAL SYNDROME, TYPE I. Identifiers: Orphanet 77258, MedGen C0432233, MONDO:0008596, OMIM 190350.
Trichorhinophalangeal syndrome, type III (TRPS3). Also called: SUGIO-KAJII SYNDROME. Identifiers: Orphanet 77258, MedGen C1860823, OMIM 190351, MONDO:0008597.

Allele frequency attached by ClinVar (database versions not stated): gnomAD 0.00001; gnomAD exomes 0.00001; TOPMed 0.00001.

Submissions (3):

Fulgent Genetics
Classification: Uncertain significance for Trichorhinophalangeal dysplasia type I; Trichorhinophalangeal syndrome, type III. Last evaluated: 2024-01-23. Review status: criteria provided, single submitter. Criteria: ACMG Guidelines, 2015. Collection method: clinical testing. Allele origin: germline.

Women's Health and Genetics/Laboratory Corporation of America, LabCorp
Classification: Uncertain significance. Last evaluated: 2022-11-29. Review status: criteria provided, single submitter. Criteria: LabCorp Variant Classification Summary - May 2015. Collection method: clinical testing. Allele origin: germline.
Comment: Variant summary: TRPS1 c.3515A>G (p.Asp1172Gly) results in a non-conservative amino acid change in the encoded protein sequence. Three of three in-silico tools predict a damaging effect of the variant on protein function. The variant was absent in 248928 control chromosomes (gnomAD). The available data on variant occurrences in the general population are insufficient to allow any conclusion about variant significance. To our knowledge, no occurrence of c.3515A>G in individuals affected with TRPS1-Related Disorders and no experimental evidence demonstrating its impact on protein function have been reported. One clinical diagnostic laboratory has submitted clinical-significance assessments for this variant to ClinVar after 2014 and classified the variant as uncertain significance. Based on the evidence outlined above, the variant was classified as uncertain significance.

Centre for Mendelian Genomics, University Medical Centre Ljubljana
Classification: Uncertain significance for Trichorhinophalangeal dysplasia type I. Last evaluated: 2019-09-11. Review status: criteria provided, single submitter. Criteria: ACMG Guidelines, 2015. Collection method: clinical testing. Allele origin: unknown. Affected: yes.
Comment: This variant was classified as: Uncertain significance. The available evidence on this variant's pathogenicity is insufficient or conflicting. The following ACMG criteria were applied in classifying this variant: PM2,PP3,BP1.